The following is an entry in ClinVar:

ClinVar aggregate classification (germline): Uncertain significance (1 of 4 stars; one submission).

Conditions:
POLD1-related polyposis and colorectal cancer syndrome (CRCS10). Also called: COLORECTAL CANCER, SUSCEPTIBILITY TO, ON CHROMOSOME 19q; Colorectal cancer 10; Colorectal cancer, susceptibility to, 10. Identifiers: Orphanet 220460, MedGen C2675481, MONDO:0012953, OMIM 612591.

Submission:

Labcorp Genetics (formerly Invitae), Labcorp
Classification: Uncertain significance for POLD1-related polyposis and colorectal cancer syndrome. Last evaluated: 2025-07-27. Review status: criteria provided, single submitter. Criteria: Invitae Variant Classification Sherloc (09022015). Collection method: clinical testing. Allele origin: germline.
Comment: This sequence change replaces arginine, which is basic and polar, with serine, which is neutral and polar, at codon 823 of the POLD1 protein (p.Arg823Ser). This variant is not present in population databases (gnomAD no frequency). This variant has not been reported in the literature in individuals affected with POLD1-related conditions. Invitae Evidence Modeling of protein sequence and biophysical properties (such as structural, functional, and spatial information, amino acid conservation, physicochemical variation, residue mobility, and thermodynamic stability) indicates that this missense variant is not expected to disrupt POLD1 protein function with a negative predictive value of 80%. In summary, the available evidence is currently insufficient to determine the role of this variant in disease. Therefore, it has been classified as a Variant of Uncertain Significance.

NM_002691.4(POLD1):c.2467C>A (p.Arg823Ser)

Gene: POLD1 (DNA polymerase delta 1, catalytic subunit; plus strand). Cytogenetic location: 19q13.33.
Variant type: single nucleotide variant.
Coding change: c.2467C>A on transcript NM_002691.4 (MANE Select); coding-DNA position 2467, C replaced by A.
Protein change: p.Arg823Ser; replaces arginine 823 with serine.
Molecular consequence: missense variant. On other transcripts: non-coding transcript variant (1).
Genome position (GRCh38, 1-based): chr19:50,414,893, C>A. VCF-style: chr19-50414893-C-A. GRCh37 (hg19) VCF-style: chr19-50918150-C-A.
Other names: c.2467C>A, p.Arg823Ser (NM_001256849.1, NM_001438212.1, NM_001438213.1); c.2545C>A, p.Arg849Ser (NM_001308632.1); c.2395C>A, p.Arg799Ser (NM_001438210.1, NM_001438211.1); short protein forms R849S, R799S, R823S.
Identifiers: ClinVar variation 4742316 (VCV004742316.1).